The following is an entry in ClinVar:

ClinVar aggregate classification (germline): Pathogenic (1 of 4 stars; one submission).

Submission:

CeGaT Center for Human Genetics Tuebingen
Classification: Pathogenic. Last evaluated: 2025-01-01. Review status: criteria provided, single submitter. Criteria: CeGaT Center For Human Genetics Tuebingen Variant Classification Criteria Version 2. Collection method: clinical testing. Allele origin: germline. Affected: yes. Observed: 1 variant allele.
Comment: TMEM127: PVS1, PM2

NM_017849.4(TMEM127):c.41_42delinsT (p.Arg14fs)

Genes: TMEM127 (transmembrane protein 127; minus strand), LOC129934333 (ATAC-STARR-seq lymphoblastoid silent region 11759; plus strand). Cytogenetic location: 2q11.2.
Variant type: Indel.
Coding change: c.41_42delinsT on transcript NM_017849.4 (MANE Select); coding-DNA positions 41 to 42, GG replaced by T.
Protein change: p.Arg14fs; shifts the reading frame from arginine 14.
Molecular consequence: frameshift variant. On other transcripts: intron variant (1).
Genome position (GRCh38, 1-based): chr2:96,265,340-96,265,341, CC replaced by A on the plus strand (GG replaced by T on the coding strand, the reverse complement: TMEM127 is on the minus strand). VCF-style: chr2-96265340-CC-A. GRCh37 (hg19) VCF-style: chr2-96931078-CC-A.
Other names: c.41_42delinsT, p.Arg14fs (NM_001193304.3); c.-9+528_-9+529delinsT (NM_001407283.1); short protein forms R14fs.
Identifiers: ClinVar variation 3772624 (VCV003772624.13).